The following is an entry in ClinVar:

NM_152517.3(IFT70B):c.1431A>G (p.Glu477=)

Gene: IFT70B (intraflagellar transport 70B; minus strand). Cytogenetic location: 2q31.2.
Variant type: single nucleotide variant.
Coding change: c.1431A>G on transcript NM_152517.3 (MANE Select); coding-DNA position 1431, A replaced by G.
Protein change: p.Glu477=; no amino-acid change (glutamic acid 477 retained).
Molecular consequence: synonymous variant.
Genome position (GRCh38, 1-based): chr2:177,551,333, T>C on the plus strand (A>G on the coding strand, the complement: IFT70B is on the minus strand). VCF-style: chr2-177551333-T-C. GRCh37 (hg19) VCF-style: chr2-178416061-T-C.
Identifiers: ClinVar variation 5038700 (VCV005038700.1).

ClinVar aggregate classification (germline): Likely benign (1 of 4 stars; one submission).

Submission:

CeGaT Center for Human Genetics Tuebingen
Classification: Likely benign. Last evaluated: 2026-07-01. Review status: criteria provided, single submitter. Criteria: CeGaT Center For Human Genetics Tuebingen Variant Classification Criteria Version 2. Collection method: clinical testing. Allele origin: germline. Affected: yes. Observed: 1 variant allele.
Comment: IFT70B: PM2:Supporting, BP4, BP7